The following is an entry in ClinVar:

NC_012920.1(MT-ND5):m.12715A>G (p.Thr127Ala)

Gene: MT-ND5 (mitochondrially encoded NADH dehydrogenase 5; plus strand).
Variant type: single nucleotide variant.
Genome position: chrM-12715-A-G.
Other names: short protein forms T127A.
Identifiers: ClinVar variation 693478 (VCV000693478.1), dbSNP rs1603223875, ClinGen allele CA414814515.

ClinVar aggregate classification (germline): Benign (1 of 4 stars; one submission).

Conditions:
Leigh syndrome (NULS). Also called: Leigh's necrotizing encephalopathy; Leigh's disease; Leigh Syndrome (mtDNA deletion); Leigh Disease; Subacute necrotizing encephalopathy; Necrotizing encephalopathy infantile subacute of Leigh. Identifiers: Orphanet 506, MedGen C2931891, MONDO:0009723, OMIM 256000.

Submission:

Wong Mito Lab, Molecular and Human Genetics, Baylor College of Medicine
Classification: Benign for Leigh syndrome. Last evaluated: 2019-10-17. Review status: criteria provided, single submitter. Criteria: Modified ACMG Guidelines (Unpublished). Collection method: clinical testing. Allele origin: germline.
Comment: The NC_012920.1:m.12715A>G (YP_003024036.1:p.Thr127Ala) variant in MTND5 gene is interpretated to be a Benign variant based on the modified ACMG guidelines (unpublished). This variant meets the following evidence codes: BS1, BS2, BP4